The following is an entry in ClinVar:

ClinVar aggregate classification (germline): other (0 of 4 stars; one submission).

Conditions:
Familial colorectal cancer. Identifiers: MedGen CN280943, MONDO:0023113. Disease mechanism: loss of function.

Allele frequency attached by ClinVar (database versions not stated): 1000 Genomes Project 0.43550; gnomAD 0.39858 and 0.38550; TOPMed 0.40377; 1000 Genomes Project 30x 0.43051.
gnomAD v4.1: 60,550 of 151,466 alleles (40%); highest among the groups gnomAD compares: East Asian, 67%; 14,609 homozygotes.

Submission:

Systems Biology Platform Zhejiang California International NanoSystems Institute
Classification: other for Familial colorectal cancer. Review status: no assertion criteria provided. Collection method: not provided. Allele origin: unknown.
ClinVar note: Converted during submission from cancer to other.

NM_000038.6(APC):c.-18-4405T>A

Gene: APC (APC regulator of WNT signaling pathway; plus strand). Cytogenetic location: 5q22.2.
Variant type: single nucleotide variant.
Coding change: c.-18-4405T>A on transcript NM_000038.6 (MANE Select); 4405 bases into the intron before 18 bases upstream of the start codon, T replaced by A.
Molecular consequence: intron variant.
Genome position (GRCh38, 1-based): chr5:112,750,468, T>A. VCF-style: chr5-112750468-T-A. GRCh37 (hg19) VCF-style: chr5-112086165-T-A.
Other names: c.-18-4405T>A (NM_001354895.2, NM_001127510.3, NM_001354896.2 and 2 more transcripts); c.166-15858T>A (NM_001354897.2, NM_001354902.2, NM_001127511.3); c.60+12008T>A (NM_001354898.2, NM_001354904.2); c.-1053-4405T>A (NM_001354906.2); c.-43+12543T>A (NM_001354900.2, NM_001354901.2, NM_001354905.2).
Identifiers: ClinVar variation 82799 (VCV000082799.2), dbSNP rs12518091, ClinGen allele CA006082.
Genomic context (GRCh38, chr5:112,750,468, plus strand): 5'-TTTTACTGGAAGAGGAGGGACCACATGAGGCATTAGTGATGAGCATTCTTTTTTTTTTTC[T>A]TGGCTTTTGCCTGTTTTTTATGTTTGTTTGTTTTGTTTTTCATCAACCTCATTTTTACAT-3'